The following is an entry in ClinVar:

NM_001354930.2(RIPK1):c.1360G>A (p.Gly454Arg)

Gene: RIPK1 (receptor interacting serine/threonine kinase 1; plus strand). Cytogenetic location: 6p25.2.
Variant type: single nucleotide variant.
Coding change: c.1360G>A on transcript NM_001354930.2 (MANE Select); coding-DNA position 1360, G replaced by A.
Protein change: p.Gly454Arg; replaces glycine 454 with arginine.
Molecular consequence: missense variant.
Genome position (GRCh38, 1-based): chr6:3,105,835, G>A. VCF-style: chr6-3105835-G-A. GRCh37 (hg19) VCF-style: chr6-3106069-G-A.
Other names: c.871G>A, p.Gly291Arg (NM_001317061.3, NM_001354932.2, NM_001354933.2 and 1 more transcripts); c.1222G>A, p.Gly408Arg (NM_001354931.2); c.1360G>A, p.Gly454Arg (NM_003804.6); short protein forms G291R, G454R, G408R.
Identifiers: ClinVar variation 2005535 (VCV002005535.4), dbSNP rs2533345091, ClinGen allele CA362572715.

ClinVar aggregate classification (germline): Uncertain significance (1 of 4 stars; one submission).

Submission:

Labcorp Genetics (formerly Invitae), Labcorp
Classification: Uncertain significance. Last evaluated: 2022-06-13. Review status: criteria provided, single submitter. Criteria: Invitae Variant Classification Sherloc (09022015). Collection method: clinical testing. Allele origin: germline.
Comment: In summary, the available evidence is currently insufficient to determine the role of this variant in disease. Therefore, it has been classified as a Variant of Uncertain Significance. Algorithms developed to predict the effect of missense changes on protein structure and function are either unavailable or do not agree on the potential impact of this missense change (SIFT: "Not Available"; PolyPhen-2: "Benign"; Align-GVGD: "Not Available"). This variant has not been reported in the literature in individuals affected with RIPK1-related conditions. This variant is not present in population databases (gnomAD no frequency). This sequence change replaces glycine, which is neutral and non-polar, with arginine, which is basic and polar, at codon 454 of the RIPK1 protein (p.Gly454Arg).